The following is an entry in ClinVar:

NM_001618.4(PARP1):c.1245C>T (p.Leu415=)

Gene: PARP1 (poly(ADP-ribose) polymerase 1; minus strand). Cytogenetic location: 1q42.12.
Variant type: single nucleotide variant.
Coding change: c.1245C>T on transcript NM_001618.4 (MANE Select); coding-DNA position 1245, C replaced by T.
Protein change: p.Leu415=; no amino-acid change (leucine 415 retained).
Molecular consequence: synonymous variant.
Genome position (GRCh38, 1-based): chr1:226,381,123, G>A on the plus strand (C>T on the coding strand, the complement: PARP1 is on the minus strand). VCF-style: chr1-226381123-G-A. GRCh37 (hg19) VCF-style: chr1-226568824-G-A.
Identifiers: ClinVar variation 780306 (VCV000780306.6), dbSNP rs61731503, ClinGen allele CA1422885.

ClinVar aggregate classification (germline): Benign. Review status: criteria provided, multiple submitters, no conflicts (2 of 4 stars). 3 submissions from 3 submitters: Benign (2). 1 of the submissions does not count toward it. Last evaluated 2018-08-16.

Conditions:
PARP1-related disorder. Also called: PARP1-related condition.

Allele frequency attached by ClinVar (database versions not stated): gnomAD 0.00656 and 0.00608; 1000 Genomes Project 30x 0.00609; 1000 Genomes Project 0.00619; TOPMed 0.00672; ExAC 0.00175; gnomAD exomes 0.00052 and 0.00147; ESP Exome Variant Server 0.00677.
gnomAD v4.1: 1,710 of 1,614,116 alleles (0.11%); highest among the groups gnomAD compares: African/African-American, 2%; 17 homozygotes.

Submissions (3):

Labcorp Genetics (formerly Invitae), Labcorp
Classification: Benign. Last evaluated: 2018-08-16. Review status: criteria provided, single submitter. Criteria: Invitae Variant Classification Sherloc (09022015). Collection method: clinical testing. Allele origin: germline.

Breakthrough Genomics
Classification: Benign. Review status: criteria provided, single submitter. Criteria: ACMG Guidelines, 2015. Collection method: not provided. Allele origin: germline. Inheritance: Unknown mechanism. Affected: yes.

PreventionGenetics, part of Exact Sciences
Classification: Benign for PARP1-related condition. Last evaluated: 2019-04-04. Review status: no assertion criteria provided. Collection method: clinical testing. Allele origin: germline. Not counted in ClinVar's aggregate classification.
Comment: This variant is classified as benign based on ACMG/AMP sequence variant interpretation guidelines (Richards et al. 2015 PMID: 25741868, with internal and published modifications).